The following is an entry in ClinVar:

NM_014014.5(SNRNP200):c.4416C>T (p.Ser1472=)

Gene: SNRNP200 (small nuclear ribonucleoprotein U5 subunit 200; minus strand). Cytogenetic location: 2q11.2.
Variant type: single nucleotide variant.
Coding change: c.4416C>T on transcript NM_014014.5 (MANE Select); coding-DNA position 4416, C replaced by T.
Protein change: p.Ser1472=; no amino-acid change (serine 1472 retained).
Molecular consequence: synonymous variant.
Genome position (GRCh38, 1-based): chr2:96,283,981, G>A on the plus strand (C>T on the coding strand, the complement: SNRNP200 is on the minus strand). VCF-style: chr2-96283981-G-A. GRCh37 (hg19) VCF-style: chr2-96949719-G-A.
Identifiers: ClinVar variation 4984343 (VCV004984343.1).

ClinVar aggregate classification (germline): Likely benign (1 of 4 stars; one submission).

Conditions:
SNRNP200-related disorder. Also called: SNRNP200-related condition.

gnomAD v4.1: 8 of 1,595,628 alleles (0.0005%); highest among the groups gnomAD compares: African/African-American, 0.011%; no homozygotes.

Submission:

PreventionGenetics, part of Exact Sciences
Classification: Likely benign for SNRNP200-related condition. Last evaluated: 2025-01-02. Review status: criteria provided, single submitter. Criteria: ACMG Guidelines, 2015. Collection method: clinical testing. Allele origin: germline.
Comment: This variant is classified as likely benign based on ACMG/AMP sequence variant interpretation guidelines (Richards et al. 2015 PMID: 25741868, with internal and published modifications).